The following is an entry in ClinVar:

ClinVar aggregate classification (germline): Pathogenic/Likely pathogenic. Review status: criteria provided, multiple submitters, no conflicts (2 of 4 stars). 3 submissions from 3 submitters: Pathogenic (2); Likely pathogenic (1). Last evaluated 2023-05-15.

Conditions:
Temtamy syndrome (TEMTYS). Also called: MENTAL RETARDATION WITH OR WITHOUT CRANIOFACIAL DYSMORPHISM, OCULAR COLOBOMA, OR ABNORMAL CORPUS CALLOSUM. Identifiers: Orphanet 1777, MedGen C1857512, MONDO:0009033, OMIM 218340.

Allele frequency attached by ClinVar (database versions not stated): gnomAD exomes 0.00001.
gnomAD v4.1: 9 of 1,614,200 alleles (0.00056%); highest among the groups gnomAD compares: South Asian, 0.0011%; no homozygotes.

Submissions (3):

Labcorp Genetics (formerly Invitae), Labcorp
Classification: Pathogenic for Temtamy syndrome. Last evaluated: 2023-05-15. Review status: criteria provided, single submitter. Criteria: Invitae Variant Classification Sherloc (09022015). Collection method: clinical testing. Allele origin: germline.
Comment: This sequence change creates a premature translational stop signal (p.Gln15*) in the C12orf57 gene. It is expected to result in an absent or disrupted protein product. Loss-of-function variants in C12orf57 are known to be pathogenic (PMID: 23453665, 24798461). This variant is not present in population databases (gnomAD no frequency). This premature translational stop signal has been observed in individual(s) with clinical features of Temtamy syndrome (PMID: 28600779). ClinVar contains an entry for this variant (Variation ID: 620193). Algorithms developed to predict the effect of sequence changes on RNA splicing suggest that this variant may create or strengthen a splice site. For these reasons, this variant has been classified as Pathogenic.

GeneDx
Classification: Likely pathogenic. Last evaluated: 2023-02-06. Review status: criteria provided, single submitter. Criteria: GeneDx Variant Classification Process June 2021. Collection method: clinical testing. Allele origin: germline. Affected: yes.
Comment: Nonsense variant predicted to result in protein truncation or nonsense mediated decay in a gene or region of a gene for which loss of function is not a well-established mechanism of disease; Not observed at significant frequency in large population cohorts (gnomAD); This variant is associated with the following publications: (PMID: 31980526, 29383837, 35791610, 28600779)

Juno Genomics, Hangzhou Juno Genomics, Inc
Classification: Pathogenic for Temtamy syndrome. Review status: criteria provided, single submitter. Criteria: ACMG Guidelines, 2015. Collection method: clinical testing. Allele origin: germline.
Comment: Absent from controls (or at extremely low frequency if recessive) in Genome Aggregation Database.;Null variant in a gene where loss of function (LOF) is a known mechanism of disease.;For recessive disorders, detected in trans with a pathogenic variant.;Patient's phenotype or family history is highly specific for a disease with a single genetic etiology.

Literature cited by the submitters: PubMed 23453665 (cited by Labcorp Genetics (formerly Invitae), Labcorp); PubMed 24798461 (cited by Labcorp Genetics (formerly Invitae), Labcorp); PubMed 28600779 (cited by Labcorp Genetics (formerly Invitae), Labcorp).

NM_138425.4(C12orf57):c.43C>T (p.Gln15Ter)

Gene: C12orf57 (chromosome 12 open reading frame 57; plus strand). Cytogenetic location: 12p13.31.
Variant type: single nucleotide variant.
Coding change: c.43C>T on transcript NM_138425.4 (MANE Select); coding-DNA position 43, C replaced by T.
Protein change: p.Gln15Ter; replaces glutamine 15 with a stop codon.
Molecular consequence: nonsense. On other transcripts: 5 prime UTR variant (1), non-coding transcript variant (1), intron variant (1).
Genome position (GRCh38, 1-based): chr12:6,944,164, C>T. VCF-style: chr12-6944164-C-T. GRCh37 (hg19) VCF-style: chr12-7053327-C-T.
Other names: c.43C>T, p.Gln15Ter (NM_001301834.1, NM_001301837.2); c.-159C>T (NM_001301838.2); c.14-312C>T (NM_001301836.2); short protein forms Q15*.
Identifiers: ClinVar variation 620193 (VCV000620193.15), dbSNP rs1565574197, ClinGen allele CA383744229.